The following is an entry in ClinVar:

ClinVar aggregate classification (germline): Uncertain significance (1 of 4 stars; one submission).

Allele frequency attached by ClinVar (database versions not stated): gnomAD exomes 0.00001; ExAC 0.00002; gnomAD 0.00005; TOPMed 0.00006.
gnomAD v4.1: 28 of 1,613,894 alleles (0.0017%); highest among the groups gnomAD compares: African/African-American, 0.028%; no homozygotes.

Submission:

Labcorp Genetics (formerly Invitae), Labcorp
Classification: Uncertain significance. Last evaluated: 2026-01-22. Review status: criteria provided, single submitter. Criteria: Invitae Variant Classification Sherloc (09022015). Collection method: clinical testing. Allele origin: germline.
Comment: This sequence change replaces glycine, which is neutral and non-polar, with arginine, which is basic and polar, at codon 533 of the DSG1 protein (p.Gly533Arg). This variant is present in population databases (rs762963122, gnomAD 0.03%). This variant has not been reported in the literature in individuals affected with DSG1-related conditions. ClinVar contains an entry for this variant (Variation ID: 2186247). Invitae Evidence Modeling of protein sequence and biophysical properties (such as structural, functional, and spatial information, amino acid conservation, physicochemical variation, residue mobility, and thermodynamic stability) indicates that this missense variant is not expected to disrupt DSG1 protein function with a negative predictive value of 80%. In summary, the available evidence is currently insufficient to determine the role of this variant in disease. Therefore, it has been classified as a Variant of Uncertain Significance.

NM_001942.4(DSG1):c.1597G>A (p.Gly533Arg)

Gene: DSG1 (desmoglein 1; plus strand). Cytogenetic location: 18q12.1.
Variant type: single nucleotide variant.
Coding change: c.1597G>A on transcript NM_001942.4 (MANE Select); coding-DNA position 1597, G replaced by A.
Protein change: p.Gly533Arg; replaces glycine 533 with arginine.
Molecular consequence: missense variant.
Genome position (GRCh38, 1-based): chr18:31,339,935, G>A. VCF-style: chr18-31339935-G-A. GRCh37 (hg19) VCF-style: chr18-28919898-G-A.
Other names: short protein forms G533R.
Identifiers: ClinVar variation 2186247 (VCV002186247.4), dbSNP rs762963122, ClinGen allele CA8926116.